The following is an entry in ClinVar:

NM_001205293.3(CACNA1E):c.2241-13T>G

Gene: CACNA1E (calcium voltage-gated channel subunit alpha1 E; plus strand). Cytogenetic location: 1q25.3.
Variant type: single nucleotide variant.
Coding change: c.2241-13T>G on transcript NM_001205293.3 (MANE Select); 13 bases into the intron before coding-DNA position 2241, T replaced by G.
Molecular consequence: intron variant.
Genome position (GRCh38, 1-based): chr1:181,731,162, T>G. VCF-style: chr1-181731162-T-G. GRCh37 (hg19) VCF-style: chr1-181700298-T-G.
Other names: c.2241-13T>G (NM_000721.4); c.2241-1222T>G (NM_001205294.2).
Identifiers: ClinVar variation 3655527 (VCV003655527.2).
Genomic context (GRCh38, chr1:181,731,162, plus strand): 5'-TCTGCTGGTGGCTGTGGGGCTTGAGGTTCCTAGAGGTTGGGGTGAACTGAACCTGTCCAT[T>G]TTTCTTCCCCAGAAGAGACAGAAGGAGAAGACACCACATGTCGATGTGGGAGCCACGCAG-3'

ClinVar aggregate classification (germline): Uncertain significance (1 of 4 stars; one submission).

Submission:

Labcorp Genetics (formerly Invitae), Labcorp
Classification: Uncertain significance. Last evaluated: 2024-06-04. Review status: criteria provided, single submitter. Criteria: Invitae Variant Classification Sherloc (09022015). Collection method: clinical testing. Allele origin: germline.
Comment: This sequence change falls in intron 18 of the CACNA1E gene. It does not directly change the encoded amino acid sequence of the CACNA1E protein. This variant is not present in population databases (gnomAD no frequency). This variant has not been reported in the literature in individuals affected with CACNA1E-related conditions. Algorithms developed to predict the effect of sequence changes on RNA splicing suggest that this variant may disrupt the consensus splice site. In summary, the available evidence is currently insufficient to determine the role of this variant in disease. Therefore, it has been classified as a Variant of Uncertain Significance.